The following is an entry in ClinVar:

ClinVar aggregate classification (germline): Benign/Likely benign. Review status: criteria provided, multiple submitters, no conflicts (2 of 4 stars). 7 submissions from 7 submitters: Benign (5); Likely benign (2). Last evaluated 2026-01-31.

Conditions:
Autosomal recessive nonsyndromic hearing loss 3. Also called: NEUROSENSORY NONSYNDROMIC RECESSIVE DEAFNESS 3. Identifiers: Orphanet 90636, MedGen C1838263, MONDO:0010860, OMIM 600316.

Allele frequency attached by ClinVar (database versions not stated): gnomAD exomes 0.00133 and 0.00372; ExAC 0.00503; gnomAD 0.01515 and 0.01622; ESP Exome Variant Server 0.01517; 1000 Genomes Project 0.01617; 1000 Genomes Project 30x 0.01671; TOPMed 0.01709.
gnomAD v4.1: 4,372 of 1,613,706 alleles (0.27%); highest among the groups gnomAD compares: African/African-American, 5.1%; 109 homozygotes.

Submissions (7):

Labcorp Genetics (formerly Invitae), Labcorp
Classification: Benign. Last evaluated: 2026-01-31. Review status: criteria provided, single submitter. Criteria: Invitae Variant Classification Sherloc (09022015). Collection method: clinical testing. Allele origin: germline.

Athena Diagnostics
Classification: Benign. Last evaluated: 2024-07-05. Review status: criteria provided, single submitter. Criteria: Athena Diagnostics Criteria. Collection method: clinical testing. Allele origin: unknown.

ARUP Laboratories, Molecular Genetics and Genomics, ARUP Laboratories
Classification: Benign for Autosomal recessive nonsyndromic hearing loss 3. Last evaluated: 2023-10-09. Review status: criteria provided, single submitter. Criteria: ARUP Molecular Germline Variant Investigation Process 2024. Collection method: clinical testing. Allele origin: germline.

Illumina Laboratory Services, Illumina
Classification: Likely benign for Autosomal recessive nonsyndromic hearing loss 3. Last evaluated: 2018-01-12. Review status: criteria provided, single submitter. Criteria: ICSL Variant Classification Criteria 13 December 2019. Collection method: clinical testing. Allele origin: germline.
Comment: This variant was observed in the ICSL laboratory as part of a predisposition screen in an ostensibly healthy population. It had not been previously curated by ICSL or reported in the Human Gene Mutation Database (HGMD: prior to June 1st, 2018), and was therefore a candidate for classification through an automated scoring system. Utilizing variant allele frequency, disease prevalence and penetrance estimates, and inheritance mode, an automated score was calculated to assess if this variant is too frequent to cause the disease. Based on the score and internal cut-off values, a variant classified as likely benign is not then subjected to further curation. The score for this variant resulted in a classification of likely benign for this disease.

GeneDx
Classification: Benign. Last evaluated: 2017-11-15. Review status: criteria provided, single submitter. Criteria: GeneDx Variant Classification (06012015). Collection method: clinical testing. Allele origin: germline. Affected: yes.
Comment: This variant is considered likely benign or benign based on one or more of the following criteria: it is a conservative change, it occurs at a poorly conserved position in the protein, it is predicted to be benign by multiple in silico algorithms, and/or has population frequency not consistent with disease.

Laboratory for Molecular Medicine, Mass General Brigham Personalized Medicine
Classification: Benign. Last evaluated: 2012-05-07. Review status: criteria provided, single submitter. Criteria: LMM Criteria. Collection method: clinical testing. Allele origin: germline. Observed: 9 variant alleles.
Comment: "Val3236Val in Exon 60 of MYO15A: This variant is not expected to have clinical significance because it does not alter an amino acid residue, is not located wit hin the splice consensus sequence, and has been identified in 4.5% (151/3354) of African American chromosomes from a broad population by the NHLBI Exome Sequenc ing Project (dbSNP rs115393178)."

Breakthrough Genomics
Classification: Likely benign. Review status: criteria provided, single submitter. Criteria: ACMG Guidelines, 2015. Collection method: not provided. Allele origin: germline. Inheritance: Autosomal recessive inheritance. Affected: yes.

NM_016239.4(MYO15A):c.9708G>A (p.Val3236=)

Gene: MYO15A (myosin XVA; plus strand). Cytogenetic location: 17p11.2.
Variant type: single nucleotide variant.
Coding change: c.9708G>A on transcript NM_016239.4 (MANE Select); coding-DNA position 9708, G replaced by A.
Protein change: p.Val3236=; no amino-acid change (valine 3236 retained).
Molecular consequence: synonymous variant.
Genome position (GRCh38, 1-based): chr17:18,163,759, G>A. VCF-style: chr17-18163759-G-A. GRCh37 (hg19) VCF-style: chr17-18067073-G-A.
Identifiers: ClinVar variation 164565 (VCV000164565.21), dbSNP rs115393178, ClinGen allele CA177273.